The following is an entry in ClinVar:

NM_032119.4(ADGRV1):c.10816G>C (p.Ala3606Pro)

Gene: ADGRV1 (adhesion G protein-coupled receptor V1; plus strand). Cytogenetic location: 5q14.3.
Variant type: single nucleotide variant.
Coding change: c.10816G>C on transcript NM_032119.4 (MANE Select); coding-DNA position 10816, G replaced by C.
Protein change: p.Ala3606Pro; replaces alanine 3606 with proline.
Molecular consequence: missense variant. On other transcripts: non-coding transcript variant (1).
Genome position (GRCh38, 1-based): chr5:90,745,637, G>C. VCF-style: chr5-90745637-G-C. GRCh37 (hg19) VCF-style: chr5-90041454-G-C.
Other names: short protein forms A3606P.
Identifiers: ClinVar variation 1058148 (VCV001058148.7), dbSNP rs1346986419, ClinGen allele CA360408956.

ClinVar aggregate classification (germline): Uncertain significance. Review status: criteria provided, multiple submitters, no conflicts (2 of 4 stars). 2 submissions from 2 submitters: Uncertain significance (2). Last evaluated 2021-09-01.

Allele frequency attached by ClinVar (database versions not stated): gnomAD exomes below 0.00001.
gnomAD v4.1: 2 of 1,612,812 alleles (0.00012%); highest among the groups gnomAD compares: Admixed American, 0.0033%; no homozygotes.

Submissions (2):

Labcorp Genetics (formerly Invitae), Labcorp
Classification: Uncertain significance. Last evaluated: 2021-09-01. Review status: criteria provided, single submitter. Criteria: Invitae Variant Classification Sherloc (09022015). Collection method: clinical testing. Allele origin: germline.
Comment: This sequence change replaces alanine with proline at codon 3606 of the ADGRV1 protein (p.Ala3606Pro). The alanine residue is highly conserved and there is a small physicochemical difference between alanine and proline. This variant is not present in population databases (ExAC no frequency). This variant has not been reported in the literature in individuals affected with ADGRV1-related conditions. Algorithms developed to predict the effect of missense changes on protein structure and function are either unavailable or do not agree on the potential impact of this missense change (SIFT: "Deleterious"; PolyPhen-2: "Possibly Damaging"; Align-GVGD: "Class C0"). In summary, the available evidence is currently insufficient to determine the role of this variant in disease. Therefore, it has been classified as a Variant of Uncertain Significance.

Blueprint Genetics
Classification: Uncertain significance. Last evaluated: 2017-08-28. Review status: criteria provided, single submitter. Criteria: ACMG Guidelines, 2015. Collection method: clinical testing. Allele origin: germline.